The following is an entry in ClinVar:

NM_001723.7(DST):c.6181T>C (p.Phe2061Leu)

Gene: DST (dystonin; minus strand). Cytogenetic location: 6p12.1.
Variant type: single nucleotide variant.
Coding change: c.6181T>C on transcript NM_001723.7 (MANE Plus Clinical); coding-DNA position 6181, T replaced by C.
Protein change: p.Phe2061Leu; replaces phenylalanine 2061 with leucine.
Molecular consequence: missense variant. On other transcripts: intron variant (10).
Genome position (GRCh38, 1-based): chr6:56,617,286, A>G on the plus strand (T>C on the coding strand, the complement: DST is on the minus strand). VCF-style: chr6-56617286-A-G. GRCh37 (hg19) VCF-style: chr6-56482084-A-G.
Other names: c.4831-2802T>C (NM_001144769.5); c.4930-2802T>C (NM_001374722.1, NM_001374736.1); c.4957-2802T>C (NM_001374734.1); c.4417-2802T>C (NM_001144770.2); c.4297-2802T>C (NM_001374730.1, NM_001386100.1, NM_183380.4 and 1 more transcripts); c.3319-2802T>C (NM_015548.5); short protein forms F2061L.
Identifiers: ClinVar variation 957871 (VCV000957871.10), dbSNP rs756626669, ClinGen allele CA3870211.

ClinVar aggregate classification (germline): Uncertain significance (1 of 4 stars; one submission).

Conditions:
Epidermolysis bullosa simplex 3, localized or generalized intermediate, with BP230 deficiency (EBS3). Also called: Epidermolysis bullosa simplex due to BP230 deficiency; Epidermolysis bullosa simplex, autosomal recessive 2. Identifiers: Orphanet 412181, MedGen C3809470, MONDO:0014180, OMIM 615425.
Hereditary sensory and autonomic neuropathy type 6. Also called: Neuropathy, hereditary sensory and autonomic, type VI; HSAN VI. Identifiers: Orphanet 314381, MedGen C3539003, MONDO:0013839, OMIM 614653.

Allele frequency attached by ClinVar (database versions not stated): gnomAD exomes below 0.00001; ExAC 0.00001.
gnomAD v4.1: 1 of 1,613,338 alleles (0.000062%); highest among the groups gnomAD compares: Non-Finnish European, 0.000085%; no homozygotes.

Submission:

Labcorp Genetics (formerly Invitae), Labcorp
Classification: Uncertain significance for Epidermolysis bullosa simplex 3, localized or generalized intermediate, with BP230 deficiency; Hereditary sensory and autonomic neuropathy type 6. Last evaluated: 2022-03-18. Review status: criteria provided, single submitter. Criteria: Invitae Variant Classification Sherloc (09022015). Collection method: clinical testing. Allele origin: germline.
Comment: This variant is present in population databases (rs756626669, gnomAD 0.0009%). In summary, the available evidence is currently insufficient to determine the role of this variant in disease. Therefore, it has been classified as a Variant of Uncertain Significance. Algorithms developed to predict the effect of missense changes on protein structure and function (SIFT, PolyPhen-2, Align-GVGD) all suggest that this variant is likely to be tolerated. ClinVar contains an entry for this variant (Variation ID: 957871). This variant has not been reported in the literature in individuals affected with DST-related conditions. This sequence change replaces phenylalanine, which is neutral and non-polar, with leucine, which is neutral and non-polar, at codon 2061 of the DST protein (p.Phe2061Leu).